The following is an entry in ClinVar:

NM_000093.5(COL5A1):c.1678C>A (p.Pro560Thr)

Gene: COL5A1 (collagen type V alpha 1 chain; plus strand). Cytogenetic location: 9q34.3.
Variant type: single nucleotide variant.
Coding change: c.1678C>A on transcript NM_000093.5 (MANE Select); coding-DNA position 1678, C replaced by A.
Protein change: p.Pro560Thr; replaces proline 560 with threonine.
Molecular consequence: missense variant.
Genome position (GRCh38, 1-based): chr9:134,752,604, C>A. VCF-style: chr9-134752604-C-A. GRCh37 (hg19) VCF-style: chr9-137644450-C-A.
Other names: c.1678C>A, p.Pro560Thr (NM_001278074.1); short protein forms P560T.
Identifiers: ClinVar variation 4999720 (VCV004999720.1).

ClinVar aggregate classification (germline): Uncertain significance (1 of 4 stars; one submission).

Conditions:
COL5A1-related disorder. Also called: COL5A1-related condition.

Submission:

PreventionGenetics, part of Exact Sciences
Classification: Uncertain significance for COL5A1-related condition. Last evaluated: 2026-06-15. Review status: criteria provided, single submitter. Criteria: ACMG Guidelines, 2015. Collection method: clinical testing. Allele origin: germline.
Comment: The COL5A1 c.1678C>A variant is predicted to result in the amino acid substitution p.Pro560Thr. To our knowledge, this variant has not been reported in the literature or in a large population database (gnomAD), indicating this variant is rare. At this time, the clinical significance of this variant is uncertain due to the absence of conclusive functional and genetic evidence.